The following is an entry in ClinVar:

ClinVar aggregate classification (germline): Uncertain significance (1 of 4 stars; one submission).

Conditions:
DOCK2 deficiency. Also called: Immunodeficiency 40. Identifiers: Orphanet 447737, MedGen C4225328, MONDO:0014637, OMIM 616433.

gnomAD v4.1: 6 of 1,613,828 alleles (0.00037%); highest among the groups gnomAD compares: South Asian, 0.0011%; no homozygotes.

Submission:

Labcorp Genetics (formerly Invitae), Labcorp
Classification: Uncertain significance for DOCK2 deficiency. Last evaluated: 2025-02-19. Review status: criteria provided, single submitter. Criteria: Invitae Variant Classification Sherloc (09022015). Collection method: clinical testing. Allele origin: germline.
Comment: This sequence change replaces arginine, which is basic and polar, with tryptophan, which is neutral and slightly polar, at codon 1357 of the DOCK2 protein (p.Arg1357Trp). The frequency data for this variant in the population databases is considered unreliable, as metrics indicate poor data quality at this position in the gnomAD database. This variant has not been reported in the literature in individuals affected with DOCK2-related conditions. An algorithm developed to predict the effect of missense changes on protein structure and function (PolyPhen-2) suggests that this variant is likely to be disruptive. In summary, the available evidence is currently insufficient to determine the role of this variant in disease. Therefore, it has been classified as a Variant of Uncertain Significance.

NM_004946.3(DOCK2):c.4069C>T (p.Arg1357Trp)

Gene: DOCK2 (dedicator of cytokinesis 2; plus strand). Cytogenetic location: 5q35.1.
Variant type: single nucleotide variant.
Coding change: c.4069C>T on transcript NM_004946.3 (MANE Select); coding-DNA position 4069, C replaced by T.
Protein change: p.Arg1357Trp; replaces arginine 1357 with tryptophan.
Molecular consequence: missense variant. On other transcripts: non-coding transcript variant (1).
Genome position (GRCh38, 1-based): chr5:170,047,612, C>T. VCF-style: chr5-170047612-C-T. GRCh37 (hg19) VCF-style: chr5-169474616-C-T.
Other names: short protein forms R1357W.
Identifiers: ClinVar variation 4807533 (VCV004807533.1).